The following is an entry in ClinVar:

ClinVar aggregate classification (germline): Uncertain significance. Review status: criteria provided, multiple submitters, no conflicts (2 of 4 stars). 6 submissions from 6 submitters: Uncertain significance (5). 1 of the submissions does not count toward it. Last evaluated 2026-10-08.

Conditions:
ATP7B-related disorder. Also called: ATP7B-related condition.
Wilson disease (WND). Also called: Wilson's disease. Identifiers: Orphanet 905, MedGen C0019202, MONDO:0010200, OMIM 277900. Disease mechanism: loss of function.

Allele frequency attached by ClinVar (database versions not stated): gnomAD exomes 0.00008 and 0.00002; ExAC 0.00001; gnomAD 0.00006 and 0.00007; TOPMed 0.00008.
gnomAD v4.1: 129 of 1,612,674 alleles (0.008%); highest among the groups gnomAD compares: Non-Finnish European, 0.01%; no homozygotes.

Submissions (6):

GeneDx
Classification: Uncertain significance. Last evaluated: 2026-10-08. Review status: criteria provided, single submitter. Criteria: GeneDx Variant Classification Process June 2021. Collection method: clinical testing. Allele origin: germline.
Comment: Previously reported as a variant of uncertain significance in a pediatric patient with autoimmune hepatitis with an increased hepatic dry copper weight, requiring a liver transplant (PMID: 36332083); In silico analysis supports that this missense variant has a deleterious effect on protein structure/function; Not observed at significant frequency in large population cohorts (gnomAD); This variant is associated with the following publications: (PMID: 36332083, 36890159)

PreventionGenetics, part of Exact Sciences
Classification: Uncertain significance for ATP7B-related condition. Last evaluated: 2025-01-21. Review status: criteria provided, single submitter. Criteria: ACMG Guidelines, 2015. Collection method: clinical testing. Allele origin: germline.
Comment: The ATP7B c.589C>T variant is predicted to result in the amino acid substitution p.Leu197Phe. To our knowledge, this variant has not been reported in the literature. This variant is reported in 0.0041% of alleles in individuals of African descent in gnomAD. At this time, the clinical significance of this variant is uncertain due to the absence of conclusive functional and genetic evidence.

Fulgent Genetics
Classification: Uncertain significance for Wilson disease. Last evaluated: 2024-04-19. Review status: criteria provided, single submitter. Criteria: ACMG Guidelines, 2015. Collection method: clinical testing. Allele origin: germline.

Color Diagnostics, LLC DBA Color Health
Classification: Uncertain significance for Wilson disease. Last evaluated: 2023-02-22. Review status: criteria provided, single submitter. Criteria: ACMG Guidelines, 2015. Collection method: clinical testing. Allele origin: germline.
Comment: This missense variant replaces leucine with phenylalanine at codon 197 of the ATP7B protein. Computational prediction is inconclusive regarding the impact of this variant on protein structure and function. To our knowledge, functional studies have not been reported for this variant. This variant has not been reported in individuals affected with ATP7B-related disorders in the literature. This variant has been identified in 6/280484 chromosomes in the general population by the Genome Aggregation Database (gnomAD). The available evidence is insufficient to determine the role of this variant in disease conclusively. Therefore, this variant is classified as a Variant of Uncertain Significance.

Labcorp Genetics (formerly Invitae), Labcorp
Classification: Uncertain significance for Wilson disease. Last evaluated: 2022-06-16. Review status: criteria provided, single submitter. Criteria: Invitae Variant Classification Sherloc (09022015). Collection method: clinical testing. Allele origin: germline.
Comment: This sequence change replaces leucine, which is neutral and non-polar, with phenylalanine, which is neutral and non-polar, at codon 197 of the ATP7B protein (p.Leu197Phe). This variant is present in population databases (rs745909234, gnomAD 0.008%). This variant has not been reported in the literature in individuals affected with ATP7B-related conditions. ClinVar contains an entry for this variant (Variation ID: 1203275). Algorithms developed to predict the effect of missense changes on protein structure and function are either unavailable or do not agree on the potential impact of this missense change (SIFT: "Tolerated"; PolyPhen-2: "Probably Damaging"; Align-GVGD: "Class C0"). In summary, the available evidence is currently insufficient to determine the role of this variant in disease. Therefore, it has been classified as a Variant of Uncertain Significance.

Natera, Inc.
Classification: Uncertain significance for Wilson disease. Last evaluated: 2020-02-21. Review status: no assertion criteria provided. Collection method: clinical testing. Allele origin: germline. Not counted in ClinVar's aggregate classification.

NM_000053.4(ATP7B):c.589C>T (p.Leu197Phe)

Gene: ATP7B (ATPase copper transporting beta; minus strand). Cytogenetic location: 13q14.3.
Variant type: single nucleotide variant.
Coding change: c.589C>T on transcript NM_000053.4 (MANE Select); coding-DNA position 589, C replaced by T.
Protein change: p.Leu197Phe; replaces leucine 197 with phenylalanine.
Molecular consequence: missense variant.
Genome position (GRCh38, 1-based): chr13:51,974,631, G>A on the plus strand (C>T on the coding strand, the complement: ATP7B is on the minus strand). VCF-style: chr13-51974631-G-A. GRCh37 (hg19) VCF-style: chr13-52548767-G-A.
Other names: c.589C>T, p.Leu197Phe (NM_001005918.3, NM_001243182.2, NM_001330578.2 and 1 more transcripts); short protein forms L197F.
Identifiers: ClinVar variation 1203275 (VCV001203275.14), dbSNP rs745909234, ClinGen allele CA6989530.
Genomic context (GRCh38, chr13:51,974,631, plus strand): 5'-AGGGAGCCACTTTGCTCTTGATGGCAGCTTCAAATCCCATGTCATTTACATGGTCCCTGA[G>A]GTCTTCGGGCTGAATGAGATAAGGCTGATAAGTGATGACGGCCTCTTGGTTGCTGAGTGA-3'
Protein context (NP_000044.2, residues 187-207): YQPYLIQPED[Leu197Phe]RDHVNDMGFE